The following is an entry in ClinVar:

ClinVar aggregate classification (germline): Uncertain significance. Review status: criteria provided, multiple submitters, no conflicts (2 of 4 stars). 2 submissions from 2 submitters: Uncertain significance (2). Last evaluated 2022-04-25.

Conditions:
Wolcott-Rallison dysplasia. Also called: MED-IDDM SYNDROME; Wolcott-Rallison syndrome. Identifiers: Orphanet 1667, MedGen C0432217, MONDO:0009192, OMIM 226980.

Submissions (2):

Labcorp Genetics (formerly Invitae), Labcorp
Classification: Uncertain significance. Last evaluated: 2022-04-25. Review status: criteria provided, single submitter. Criteria: Invitae Variant Classification Sherloc (09022015). Collection method: clinical testing. Allele origin: germline.
Comment: This sequence change replaces threonine, which is neutral and polar, with isoleucine, which is neutral and non-polar, at codon 71 of the EIF2AK3 protein (p.Thr71Ile). This variant is not present in population databases (gnomAD no frequency). This variant has not been reported in the literature in individuals affected with EIF2AK3-related conditions. ClinVar contains an entry for this variant (Variation ID: 895665). Algorithms developed to predict the effect of missense changes on protein structure and function are either unavailable or do not agree on the potential impact of this missense change (SIFT: "Deleterious"; PolyPhen-2: "Not Available"; Align-GVGD: "Class C0"). In summary, the available evidence is currently insufficient to determine the role of this variant in disease. Therefore, it has been classified as a Variant of Uncertain Significance.

Illumina Laboratory Services, Illumina
Classification: Uncertain significance for Wolcott-Rallison dysplasia. Last evaluated: 2018-01-13. Review status: criteria provided, single submitter. Criteria: ICSL Variant Classification Criteria 13 December 2019. Collection method: clinical testing. Allele origin: germline.

NM_004836.7(EIF2AK3):c.212C>T (p.Thr71Ile)

Gene: EIF2AK3 (eukaryotic translation initiation factor 2 alpha kinase 3; minus strand). Cytogenetic location: 2p11.2.
Variant type: single nucleotide variant.
Coding change: c.212C>T on transcript NM_004836.7 (MANE Select); coding-DNA position 212, C replaced by T.
Protein change: p.Thr71Ile; replaces threonine 71 with isoleucine.
Molecular consequence: missense variant.
Genome position (GRCh38, 1-based): chr2:88,627,063, G>A on the plus strand (C>T on the coding strand, the complement: EIF2AK3 is on the minus strand). VCF-style: chr2-88627063-G-A. GRCh37 (hg19) VCF-style: chr2-88926581-G-A.
Other names: short protein forms T71I.
Identifiers: ClinVar variation 895665 (VCV000895665.11), dbSNP rs1675883639, ClinGen allele CA347763262.